The following is an entry in ClinVar:

ClinVar aggregate classification (germline): Conflicting classifications of pathogenicity. Review status: criteria provided, conflicting classifications (1 of 4 stars). 8 submissions from 8 submitters: Uncertain significance (2); Likely benign (3). 3 of the submissions do not count toward it. Last evaluated 2026-06-01.

Conditions:
DOCK6-related disorder. Also called: DOCK6-related condition.

Allele frequency attached by ClinVar (database versions not stated): 1000 Genomes Project 0.00120; TOPMed 0.00155; 1000 Genomes Project 30x 0.00156; gnomAD 0.00166 and 0.00173; gnomAD exomes 0.00205 and 0.00283; ExAC 0.00216; ESP Exome Variant Server 0.00226.
gnomAD v4.1: 4,314 of 1,611,170 alleles (0.27%); highest among the groups gnomAD compares: South Asian, 0.42%; 19 homozygotes.

Submissions (8):

CeGaT Center for Human Genetics Tuebingen
Classification: Likely benign. Last evaluated: 2026-06-01. Review status: criteria provided, single submitter. Criteria: CeGaT Center For Human Genetics Tuebingen Variant Classification Criteria Version 2. Collection method: clinical testing. Allele origin: germline. Affected: yes. Observed: 6 variant alleles.
Comment: DOCK6: BS2

Labcorp Genetics (formerly Invitae), Labcorp
Classification: Likely benign. Last evaluated: 2026-01-09. Review status: criteria provided, single submitter. Criteria: Invitae Variant Classification Sherloc (09022015). Collection method: clinical testing. Allele origin: germline.

Blueprint Genetics
Classification: Likely benign. Last evaluated: 2024-11-14. Review status: criteria provided, single submitter. Criteria: ACMG Guidelines, 2015. Collection method: clinical testing. Allele origin: germline.

GeneDx
Classification: Uncertain significance. Last evaluated: 2021-03-19. Review status: criteria provided, single submitter. Criteria: GeneDx Variant Classification Process June 2021. Collection method: clinical testing. Allele origin: germline. Affected: yes.
Comment: In silico analysis supports that this missense variant has a deleterious effect on protein structure/function; Has not been previously published as pathogenic or benign to our knowledge

Eurofins Ntd Llc (ga)
Classification: Uncertain significance. Last evaluated: 2016-08-01. Review status: criteria provided, single submitter. Criteria: EGL Classification Definitions 2015. Collection method: clinical testing. Allele origin: germline. Observed: 1 variant allele, 1 heterozygote.

PreventionGenetics, part of Exact Sciences
Classification: Likely benign for DOCK6-related condition. Last evaluated: 2022-04-28. Review status: no assertion criteria provided. Collection method: clinical testing. Allele origin: germline. Not counted in ClinVar's aggregate classification.
Comment: This variant is classified as likely benign based on ACMG/AMP sequence variant interpretation guidelines (Richards et al. 2015 PMID: 25741868, with internal and published modifications).

Clinical Genetics DNA and cytogenetics Diagnostics Lab, Erasmus MC, Erasmus Medical Center
Classification: Likely benign. Review status: no assertion criteria provided. Collection method: clinical testing. Allele origin: germline. Affected: yes. Study: VKGL Data-share Consensus. Not counted in ClinVar's aggregate classification.

Laboratory of Diagnostic Genome Analysis, Leiden University Medical Center (LUMC)
Classification: Likely benign. Review status: no assertion criteria provided. Collection method: clinical testing. Allele origin: germline. Affected: yes. Study: VKGL Data-share Consensus. Not counted in ClinVar's aggregate classification.

NM_020812.4(DOCK6):c.4862T>C (p.Val1621Ala)

Genes: DOCK6 (dedicator of cytokinesis 6; minus strand), DOCK6-AS1 (DOCK6 antisense RNA 1; plus strand). Cytogenetic location: 19p13.2.
Variant type: single nucleotide variant.
Coding change: c.4862T>C on transcript NM_020812.4 (MANE Select); coding-DNA position 4862, T replaced by C.
Protein change: p.Val1621Ala; replaces valine 1621 with alanine.
Molecular consequence: missense variant.
Genome position (GRCh38, 1-based): chr19:11,208,993, A>G on the plus strand (T>C on the coding strand, the complement: DOCK6 is on the minus strand). VCF-style: chr19-11208993-A-G. GRCh37 (hg19) VCF-style: chr19-11319669-A-G.
Other names: c.4967T>C, p.Val1656Ala (NM_001367830.1); short protein forms V1621A, V1656A.
Identifiers: ClinVar variation 289212 (VCV000289212.45), dbSNP rs201738818, ClinGen allele CA9206711.